The following is an entry in ClinVar:

NM_001164508.2(NEB):c.21210T>A (p.Tyr7070Ter)

Gene: NEB (nebulin; minus strand). Cytogenetic location: 2q23.3.
Variant type: single nucleotide variant.
Coding change: c.21210T>A on transcript NM_001164508.2 (MANE Select); coding-DNA position 21210, T replaced by A.
Protein change: p.Tyr7070Ter; replaces tyrosine 7070 with a stop codon.
Molecular consequence: nonsense.
Genome position (GRCh38, 1-based): chr2:151,535,793, A>T on the plus strand (T>A on the coding strand, the complement: NEB is on the minus strand). VCF-style: chr2-151535793-A-T. GRCh37 (hg19) VCF-style: chr2-152392307-A-T.
Other names: NM_001164508.2:c.21210T>A; c.21210T>A, p.Tyr7070Ter (NM_001164507.2, NM_001271208.2); c.16107T>A, p.Tyr5369Ter (NM_004543.5); short protein forms Y5369*, Y7070*.
Identifiers: ClinVar variation 3776968 (VCV003776968.1).
Genomic context (GRCh38, chr2:151,535,793, plus strand): 5'-CGGAGAGTCGGCAACATACTTGAAATCTGACTTTGTCCTTTCAAATACTTCTTTATACTT[A>T]TACTAGAAAAAACAGAACATGGTTACTTGACAGCAGGCTATGATTATCTTAAGAATGAGA-3'

ClinVar aggregate classification (germline): Likely pathogenic (1 of 4 stars; one submission).

Conditions:
Nemaline myopathy. Also called: Myopathies, Nemaline. Identifiers: Orphanet 607, MedGen C0206157, MONDO:0018958.

gnomAD v4.1: 1 of 1,559,914 alleles (0.000064%); highest among the groups gnomAD compares: Non-Finnish European, 0.000088%; no homozygotes.

Submission:

Broad Center for Mendelian Genomics, Broad Institute of MIT and Harvard
Classification: Likely pathogenic for Nemaline myopathy. Last evaluated: 2025-03-04. Review status: criteria provided, single submitter. Criteria: ACMG Guidelines, 2015. Collection method: curation. Allele origin: germline. Inheritance: Autosomal recessive inheritance.
Comment: The p.Tyr7070Ter variant in NEB has been reported in 1 individual with nemaline myopathy (PMID: 25205138), and has been identified in 0.00009% (1/1142744) of European (non-Finnish) chromosomes by the Genome Aggregation Database (gnomAD). Although this variant has been seen in the general population in a heterozygous state, its frequency is low enough to be consistent with a recessive carrier frequency. This nonsense variant leads to a premature termination codon at position 7070, which is predicted to lead to a truncated or absent protein. Loss of function of the NEB gene is an established disease mechanism in autosomal recessive nemaline myopathy. In summary, although additional studies are required to fully establish its clinical significance, this variant is likely pathogenic for autosomal recessive nemaline myopathy. ACMG/AMP Criteria applied: PVS1, PM2_supporting (Richards 2015).